The following is an entry in ClinVar:

ClinVar aggregate classification (germline): Conflicting classifications of pathogenicity. Review status: criteria provided, conflicting classifications (1 of 4 stars). 2 submissions from 2 submitters: Likely pathogenic (1); Uncertain significance (1). Last evaluated 2024-07-01.

Conditions:
Hereditary cancer-predisposing syndrome. Also called: Tumor predisposition; Neoplastic Syndromes, Hereditary; Hereditary Cancer Syndrome; Hereditary neoplastic syndrome. Identifiers: Orphanet 140162, MedGen C0027672, MeSH D009386, MONDO:0015356.
Ataxia-telangiectasia syndrome (AT). Also called: ATAXIA-TELANGIECTASIA, COMPLEMENTATION GROUP A; ATAXIA-TELANGIECTASIA, FRESNO VARIANT; Ataxia-telangiectasia; Ataxia-telangiectasia, complementation group D; AT, COMPLEMENTATION GROUP C; Ataxia-telangiectasia, complementation group E. Identifiers: Orphanet 100, MedGen C0004135, MONDO:0008840, OMIM 208900.

Submissions (2):

Labcorp Genetics (formerly Invitae), Labcorp
Classification: Uncertain significance for Ataxia-telangiectasia syndrome. Last evaluated: 2024-07-01. Review status: criteria provided, single submitter. Criteria: Invitae Variant Classification Sherloc (09022015). Collection method: clinical testing. Allele origin: germline.
Comment: This sequence change falls in intron 52 of the ATM gene. It does not directly change the encoded amino acid sequence of the ATM protein. RNA analysis indicates that this variant induces altered splicing and may result in an absent or disrupted protein product. This variant is not present in population databases (gnomAD no frequency). This variant has not been reported in the literature in individuals affected with ATM-related conditions. ClinVar contains an entry for this variant (Variation ID: 835755). Studies have shown that this variant results in skipping of exon 53 and introduces a premature termination codon (Invitae). The resulting mRNA is expected to undergo nonsense-mediated decay. In summary, the available evidence is currently insufficient to determine the role of this variant in disease. Therefore, it has been classified as a Variant of Uncertain Significance.

Ambry Genetics
Classification: Likely pathogenic for Hereditary cancer-predisposing syndrome. Last evaluated: 2024-02-29. Review status: criteria provided, single submitter. Criteria: Ambry Variant Classification Scheme 2023. Collection method: clinical testing. Allele origin: germline.
Comment: The c.7789-4A>G intronic variant results from an A to G substitution 4 nucleotides upstream from coding exon 52 in the ATM gene. This variant is considered to be rare based on population cohorts in the Genome Aggregation Database (gnomAD). This nucleotide position is not well conserved in available vertebrate species. In silico splice site analysis predicts that this alteration may weaken the native splice acceptor site and will result in the creation or strengthening of a novel splice acceptor site. RNA studies have demonstrated that this alteration results in abnormal splicing in the set of samples tested (Ambry internal data). Based on the majority of available evidence to date, this variant is likely to be pathogenic.

NM_000051.4(ATM):c.7789-4A>G

Genes: ATM (ATM serine/threonine kinase; plus strand), C11orf65 (chromosome 11 open reading frame 65; minus strand). Cytogenetic location: 11q22.3.
Variant type: single nucleotide variant.
Coding change: c.7789-4A>G on transcript NM_000051.4 (MANE Select); 4 bases into the intron before coding-DNA position 7789, A replaced by G.
Molecular consequence: intron variant.
Genome position (GRCh38, 1-based): chr11:108,332,758, A>G. VCF-style: chr11-108332758-A-G. GRCh37 (hg19) VCF-style: chr11-108203485-A-G.
Other names: c.7789-4A>G (NM_001351834.2); c.641-23687T>C (NM_001330368.2); c.*38+2462T>C (NM_001351110.2).
Identifiers: ClinVar variation 835755 (VCV000835755.12), dbSNP rs2086401774, ClinGen allele CA916080455.